The following is an entry in ClinVar:

NM_001165963.4(SCN1A):c.2987G>C (p.Ser996Thr)

Gene: SCN1A (sodium voltage-gated channel alpha subunit 1; minus strand). Cytogenetic location: 2q24.3.
Variant type: single nucleotide variant.
Coding change: c.2987G>C on transcript NM_001165963.4 (MANE Select); coding-DNA position 2987, G replaced by C.
Protein change: p.Ser996Thr; replaces serine 996 with threonine.
Molecular consequence: missense variant. On other transcripts: non-coding transcript variant (1).
Genome position (GRCh38, 1-based): chr2:166,036,490, C>G on the plus strand (G>C on the coding strand, the complement: SCN1A is on the minus strand). VCF-style: chr2-166036490-C-G. GRCh37 (hg19) VCF-style: chr2-166893000-C-G.
Other names: c.545G>C, p.Ser182Thr (NM_001353961.2); c.2954G>C, p.Ser985Thr (NM_006920.6, NM_001353949.2, NM_001353950.2 and 2 more transcripts); c.2903G>C, p.Ser968Thr (NM_001165964.3, NM_001353957.2, NM_001353958.2); c.2987G>C, p.Ser996Thr (NM_001202435.3, NM_001353948.2); c.2951G>C, p.Ser984Thr (NM_001353954.2, NM_001353955.2); c.2900G>C, p.Ser967Thr (NM_001353960.2); short protein forms S182T, S967T, S968T, S984T, S985T, S996T.
Identifiers: ClinVar variation 4800274 (VCV004800274.1).

ClinVar aggregate classification (germline): Uncertain significance (1 of 4 stars; one submission).

Conditions:
Early-infantile DEE. Also called: Early infantile epileptic encephalopathy with suppression bursts; Early infantile epileptic encephalopathy; Ohtahara syndrome. Identifiers: Orphanet 1934, MedGen C0393706, MONDO:0800491.

Submission:

Labcorp Genetics (formerly Invitae), Labcorp
Classification: Uncertain significance for Early-infantile DEE. Last evaluated: 2025-10-29. Review status: criteria provided, single submitter. Criteria: Invitae Variant Classification Sherloc (09022015). Collection method: clinical testing. Allele origin: germline.
Comment: This sequence change replaces serine, which is neutral and polar, with threonine, which is neutral and polar, at codon 996 of the SCN1A protein (p.Ser996Thr). This variant is not present in population databases (gnomAD no frequency). This variant has not been reported in the literature in individuals affected with SCN1A-related conditions. Invitae Evidence Modeling of protein sequence and biophysical properties (such as structural, functional, and spatial information, amino acid conservation, physicochemical variation, residue mobility, and thermodynamic stability) indicates that this missense variant is expected to disrupt SCN1A protein function with a positive predictive value of 95%. In summary, the available evidence is currently insufficient to determine the role of this variant in disease. Therefore, it has been classified as a Variant of Uncertain Significance.